The following is an entry in ClinVar:

NM_006767.4(LZTR1):c.2101C>G (p.Pro701Ala)

Gene: LZTR1 (leucine zipper like post translational regulator 1; plus strand). Cytogenetic location: 22q11.21.
Variant type: single nucleotide variant.
Coding change: c.2101C>G on transcript NM_006767.4 (MANE Select); coding-DNA position 2101, C replaced by G.
Protein change: p.Pro701Ala; replaces proline 701 with alanine.
Molecular consequence: missense variant.
Genome position (GRCh38, 1-based): chr22:20,995,994, C>G. VCF-style: chr22-20995994-C-G. GRCh37 (hg19) VCF-style: chr22-21350283-C-G.
Other names: short protein forms P701A.
Identifiers: ClinVar variation 1910498 (VCV001910498.6), dbSNP rs1215936951, ClinGen allele CA410779307.

ClinVar aggregate classification (germline): Uncertain significance. Review status: criteria provided, multiple submitters, no conflicts (2 of 4 stars). 2 submissions from 2 submitters: Uncertain significance (2). Last evaluated 2026-08-06.

Conditions:
LZTR1-related schwannomatosis. Also called: Schwannomatosis 2; Schwannomatosis-2, susceptibility to. Identifiers: Orphanet 93921, MedGen C3810283, MONDO:0014299, OMIM 615670.

Submissions (2):

OLLIN Analises Genomicas, OLLIN
Classification: Uncertain significance for LZTR1-related schwannomatosis. Last evaluated: 2026-08-06. Review status: criteria provided, single submitter. Criteria: ACMG Guidelines 2015 PMID 25741868. Collection method: clinical testing. Allele origin: germline. Inheritance: Autosomal dominant inheritance.
Comment: This missense variant, located in exon 18 (of 21), is absent from gnomAD and has not been identified in the literature. However, it has been reported in ClinVar (accession VCV001910498.5). In silico analysis is inconclusive regarding the impact of this variant. According to the currently available evidence, this variant has been classified as uncertain significance (PM2_P).

Labcorp Genetics (formerly Invitae), Labcorp
Classification: Uncertain significance. Last evaluated: 2022-06-04. Review status: criteria provided, single submitter. Criteria: Invitae Variant Classification Sherloc (09022015). Collection method: clinical testing. Allele origin: germline.
Comment: This variant is not present in population databases (gnomAD no frequency). This sequence change replaces proline, which is neutral and non-polar, with alanine, which is neutral and non-polar, at codon 701 of the LZTR1 protein (p.Pro701Ala). This variant has not been reported in the literature in individuals affected with LZTR1-related conditions. In summary, the available evidence is currently insufficient to determine the role of this variant in disease. Therefore, it has been classified as a Variant of Uncertain Significance. Algorithms developed to predict the effect of missense changes on protein structure and function (SIFT, PolyPhen-2, Align-GVGD) all suggest that this variant is likely to be disruptive.